The following is an entry in ClinVar:

ClinVar aggregate classification (germline): Likely pathogenic (1 of 4 stars; one submission).

Conditions:
Developmental and epileptic encephalopathy 93. Also called: EPILEPTIC ENCEPHALOPATHY, INFANTILE OR EARLY CHILDHOOD, 3. Identifiers: MedGen C4693934, MONDO:0020632, OMIM 618012.

Submission:

Victorian Clinical Genetics Services, Murdoch Childrens Research Institute
Classification: Likely pathogenic for Developmental and epileptic encephalopathy 93. Last evaluated: 2024-10-09. Review status: criteria provided, single submitter. Criteria: ACMG Guidelines, 2015. Collection method: clinical testing. Allele origin: germline. Inheritance: Autosomal dominant inheritance. Affected: yes.
Comment: Based on the classification scheme VCGS_Germline_v1.3.4, this variant is classified as Likely pathogenic. Following criteria are met: 0102 - Loss of function is a known mechanism of disease in this gene and is associated with autosomal recessive cutis laxa type IID (MIM#617403) (PMID: 28065471). The mechanism of disease for autosomal dominant developmental and epileptic encephalopathy 93 (MIM#618012) is not established however, both loss of function and gain of function have been suggested (PMID: 29668857). (I) 0108 - This gene is associated with both recessive and dominant disease (OMIM. (I) 0200 - Variant is predicted to result in a missense amino acid change from valine to isoleucine. (I) 0251 - This variant is heterozygous. (I) 0301 - Variant is absent from gnomAD (both v2 and v3). (SP) 0502 - Missense variant with conflicting in silico predictions and uninformative conservation. (I) 0600 - Variant is located in the annotated ATP synthase alpha/beta family, nucleotide-binding domain (DECIPHER). (I) 0705 - No comparable missense variants have previous evidence for pathogenicity. (I) 0807 - This variant has no previous evidence of pathogenicity. (I) 0905 - No published segregation evidence has been identified for this variant. (I) 1007 - No published functional evidence has been identified for this variant. (SP) Legend: (SP) - Supporting pathogenic, (I) - Information, (SB) - Supporting benign

Literature cited by the submitters: PubMed 28065471; PubMed 29668857.

NM_001690.4(ATP6V1A):c.958G>A (p.Val320Ile)

Gene: ATP6V1A (ATPase H+ transporting V1 subunit A; plus strand). Cytogenetic location: 3q13.31.
Variant type: single nucleotide variant.
Coding change: c.958G>A on transcript NM_001690.4 (MANE Select); coding-DNA position 958, G replaced by A.
Protein change: p.Val320Ile; replaces valine 320 with isoleucine.
Molecular consequence: missense variant.
Genome position (GRCh38, 1-based): chr3:113,789,810, G>A. VCF-style: chr3-113789810-G-A. GRCh37 (hg19) VCF-style: chr3-113508657-G-A.
Other names: short protein forms V320I.
Identifiers: ClinVar variation 3377061 (VCV003377061.1).